The following is an entry in ClinVar:

NM_006922.4(SCN3A):c.2329_2330dup (p.Met777fs)

Gene: SCN3A (sodium voltage-gated channel alpha subunit 3; minus strand). Cytogenetic location: 2q24.3.
Variant type: Duplication.
Coding change: c.2329_2330dup on transcript NM_006922.4 (MANE Select); coding-DNA positions 2329 to 2330, 2 bases duplicated (AT; older notation c.2329_2330dupAT).
Protein change: p.Met777fs; shifts the reading frame from methionine 777.
Molecular consequence: frameshift variant.
Genome position (GRCh38, 1-based): chr2:165,137,940-165,137,941, AT duplicated on the plus strand (AT on the coding strand, the reverse complement: SCN3A is on the minus strand); duplicating any 2 consecutive bases within chr2:165,137,940-165,137,942 gives the same sequence; the c. name uses the placement nearest the transcript's 3' end. VCF-style (leftmost placement, unchanged base first): chr2-165137939-C-CAT. GRCh37 (hg19) VCF-style: chr2-165994449-C-CAT.
Other names: c.2182_2183dup, p.Met728fs (NM_001081676.2, NM_001081677.2); short protein forms M728fs, M777fs.
Identifiers: ClinVar variation 3773914 (VCV003773914.1).
Genomic context (GRCh38, chr2:165,137,939, plus strand): 5'-CAGGTTTCCTACAGTCAACACACTACTGAATTGCTCAGTCATGGGGTAGTGCTCCATGGC[C>CAT]ATAAAGAGGGTATTTAAGACAATGCAAATAGTGATGGCAAGATCAACAAATGGATCCATA-3'

ClinVar aggregate classification (germline): Uncertain significance (1 of 4 stars; one submission).

Submission:

GeneDx
Classification: Uncertain significance. Last evaluated: 2024-09-24. Review status: criteria provided, single submitter. Criteria: GeneDx Variant Classification Process June 2021. Collection method: clinical testing. Allele origin: germline. Affected: yes.
Comment: Not observed at significant frequency in large population cohorts (gnomAD); Frameshift variant predicted to result in protein truncation or nonsense mediated decay in a gene or region of a gene for which loss of function is not a well-established mechanism of disease; Has not been previously published as pathogenic or benign to our knowledge